The following is an entry in ClinVar:

ClinVar aggregate classification (germline): Uncertain significance (1 of 4 stars; one submission).

Conditions:
Ataxia-telangiectasia syndrome (AT). Also called: LOUIS-BAR SYNDROME; ATAXIA-TELANGIECTASIA, COMPLEMENTATION GROUP A; ATAXIA-TELANGIECTASIA, FRESNO VARIANT; Ataxia-telangiectasia, complementation group D; AT, COMPLEMENTATION GROUP C; Ataxia-telangiectasia. Identifiers: Orphanet 100, MedGen C0004135, MONDO:0008840, OMIM 208900.

gnomAD v4.1: 1 of 1,613,738 alleles (0.000062%); highest among the groups gnomAD compares: East Asian, 0.0022%; no homozygotes.

Submission:

Labcorp Genetics (formerly Invitae), Labcorp
Classification: Uncertain significance for Ataxia-telangiectasia syndrome. Last evaluated: 2024-02-24. Review status: criteria provided, single submitter. Criteria: Invitae Variant Classification Sherloc (09022015). Collection method: clinical testing. Allele origin: germline.
Comment: This sequence change replaces tryptophan, which is neutral and slightly polar, with leucine, which is neutral and non-polar, at codon 164 of the ATM protein (p.Trp164Leu). This variant is not present in population databases (gnomAD no frequency). This variant has not been reported in the literature in individuals affected with ATM-related conditions. An algorithm developed to predict the effect of missense changes on protein structure and function (PolyPhen-2) suggests that this variant is likely to be disruptive. In summary, the available evidence is currently insufficient to determine the role of this variant in disease. Therefore, it has been classified as a Variant of Uncertain Significance.

NM_000051.4(ATM):c.491G>T (p.Trp164Leu)

Gene: ATM (ATM serine/threonine kinase; plus strand). Cytogenetic location: 11q22.3.
Variant type: single nucleotide variant.
Coding change: c.491G>T on transcript NM_000051.4 (MANE Select); coding-DNA position 491, G replaced by T.
Protein change: p.Trp164Leu; replaces tryptophan 164 with leucine.
Molecular consequence: missense variant.
Genome position (GRCh38, 1-based): chr11:108,235,829, G>T. VCF-style: chr11-108235829-G-T. GRCh37 (hg19) VCF-style: chr11-108106556-G-T.
Other names: c.491G>T, p.Trp164Leu (NM_001351834.2); short protein forms W164L.
Identifiers: ClinVar variation 3673293 (VCV003673293.2).